The following is an entry in ClinVar:

ClinVar aggregate classification (germline): Conflicting classifications of pathogenicity. Review status: criteria provided, conflicting classifications (1 of 4 stars). 7 submissions from 7 submitters: Uncertain significance (6); Benign (1). Last evaluated 2025-11-28.

Conditions:
Ehlers-Danlos syndrome (EDS). Identifiers: Orphanet 98249, MedGen C0013720, MONDO:0020066.
Familial thoracic aortic aneurysm and aortic dissection (TAAD). Also called: Thoracic aortic aneurysms and dissections. Identifiers: Orphanet 91387, MedGen C4707243, MONDO:0019625.
Congenital contractural arachnodactyly (CCA). Also called: BEALS SYNDROME; Beals-Hecht syndrome; Arthrogryposis, distal, type 9. Identifiers: Orphanet 115, MedGen C0220668, MONDO:0007363, OMIM 121050.

Allele frequency attached by ClinVar (database versions not stated): ExAC 0.00001; gnomAD exomes 0.00002; gnomAD 0.00003 and 0.00004; TOPMed 0.00009; ESP Exome Variant Server 0.00015.
gnomAD v4.1: 76 of 1,613,976 alleles (0.0047%); highest among the groups gnomAD compares: Admixed American, 0.0083%; no homozygotes.

Submissions (7):

Labcorp Genetics (formerly Invitae), Labcorp
Classification: Benign for Congenital contractural arachnodactyly. Last evaluated: 2025-11-28. Review status: criteria provided, single submitter. Criteria: Invitae Variant Classification Sherloc (09022015). Collection method: clinical testing. Allele origin: germline.

Women's Health and Genetics/Laboratory Corporation of America, LabCorp
Classification: Uncertain significance. Last evaluated: 2025-11-03. Review status: criteria provided, single submitter. Criteria: LabCorp Variant Classification Summary - May 2015. Collection method: clinical testing. Allele origin: germline.
Comment: Variant summary: FBN2 c.4418G>A (p.Arg1473His) results in a non-conservative amino acid change located in the EGF-like repeat domain (IPR000742) of the encoded protein sequence. Algorithms developed to predict the effect of missense changes on protein structure and function all suggest that this variant is likely to be disruptive. The variant allele was found at a frequency of 4.7e-05 in 1606982 control chromosomes (i.e. in 76 carriers) in the gnomAD database (v4.1 dataset). This frequency is not significantly higher than estimated for disease-causing variants in FBN2, allowing no conclusion about variant significance. The c.4418G>A variant was listed to be found in cohorts of individual affected with thoracic aortic disease and bicuspid aortic valve with early-onset complications (Overwater_2018, Mansoorshahi_2024), however no supportive evidence for causality was provided. These report(s) do not provide unequivocal conclusions about association of the variant with Nonsyndromic Heritable Thoracic Aortic Aneurysms And Dissections. To our knowledge, no experimental evidence demonstrating an impact on protein function has been reported. The following publications have been ascertained in the context of this evaluation (PMID: 29907982, 39226896). ClinVar contains an entry for this variant (Variation ID: 213327). Based on the evidence outlined above, the variant was classified as uncertain significance.

GeneDx
Classification: Uncertain significance. Last evaluated: 2025-05-07. Review status: criteria provided, single submitter. Criteria: GeneDx Variant Classification Process June 2021. Collection method: clinical testing. Allele origin: germline. Affected: yes.
Comment: Reported in one individual with suspected heritable thoracic aortic disorder (PMID: 29907982); Not observed at significant frequency in large population cohorts (gnomAD); In silico analysis supports that this missense variant has a deleterious effect on protein structure/function; Although located in a calcium-binding EGF-like domain of the FBN2 gene, it does not substitute or introduce a cysteine residue (PMID: 19006240, 18767143); This variant is associated with the following publications: (PMID: 19006240, 18767143, 29907982)

Ambry Genetics
Classification: Uncertain significance for Familial thoracic aortic aneurysm and aortic dissection. Last evaluated: 2024-09-15. Review status: criteria provided, single submitter. Criteria: Ambry Variant Classification Scheme 2023. Collection method: clinical testing. Allele origin: germline.
Comment: The p.R1473H variant (also known as c.4418G>A), located in coding exon 34 of the FBN2 gene, results from a G to A substitution at nucleotide position 4418. The arginine at codon 1473 is replaced by histidine, an amino acid with highly similar properties. This alteration has been reported in a thoracic aortic aneurysm cohort (Overwater E et al. Hum Mutat, 2018 Sep;39:1173-1192). This amino acid position is highly conserved in available vertebrate species. In addition, this alteration is predicted to be deleterious by in silico analysis. Based on the available evidence, the clinical significance of this variant remains unclear.

Blueprint Genetics
Classification: Uncertain significance. Last evaluated: 2024-09-03. Review status: criteria provided, single submitter. Criteria: ACMG Guidelines, 2015. Collection method: clinical testing. Allele origin: germline.

Genome Diagnostics Laboratory, The Hospital for Sick Children
Classification: Uncertain significance for Ehlers-Danlos syndrome. Last evaluated: 2020-08-07. Review status: criteria provided, single submitter. Criteria: ACMG Guidelines, 2015. Collection method: clinical testing. Allele origin: germline.

ARUP Laboratories, Molecular Genetics and Genomics, ARUP Laboratories
Classification: Uncertain significance. Last evaluated: 2018-11-07. Review status: criteria provided, single submitter. Criteria: ARUP Molecular Germline Variant Investigation Process. Collection method: clinical testing. Allele origin: germline.
Comment: The FBN2 c.4418G>A; p.Arg1473His variant (rs140812463) to our knowledge, is not reported in the medical literature but is reported in ClinVar (Variation ID: 213327). This variant is found on five chromosomes in the Genome Aggregation Database, indicating it is not a common polymorphism. The arginine at codon 1473 is highly conserved, and computational analyses (SIFT, PolyPhen-2) predict that this variant is deleterious. However, due to limited information, the clinical significance of the p.Arg1473His variant is uncertain at this time.

Literature cited by the submitters: PubMed 29907982 (cited by Women's Health and Genetics/Laboratory Corporation of America, LabCorp and Ambry Genetics); PubMed 39226896 (cited by Women's Health and Genetics/Laboratory Corporation of America, LabCorp).

NM_001999.4(FBN2):c.4418G>A (p.Arg1473His)

Gene: FBN2 (fibrillin 2; minus strand). Cytogenetic location: 5q23.3.
Variant type: single nucleotide variant.
Coding change: c.4418G>A on transcript NM_001999.4 (MANE Select); coding-DNA position 4418, G replaced by A.
Protein change: p.Arg1473His; replaces arginine 1473 with histidine.
Molecular consequence: missense variant.
Genome position (GRCh38, 1-based): chr5:128,328,749, C>T on the plus strand (G>A on the coding strand, the complement: FBN2 is on the minus strand). VCF-style: chr5-128328749-C-T. GRCh37 (hg19) VCF-style: chr5-127664441-C-T.
Other names: short protein forms R1473H.
Identifiers: ClinVar variation 213327 (VCV000213327.30), dbSNP rs140812463, ClinGen allele CA320757.